The following is an entry in ClinVar:

ClinVar aggregate classification (germline): Conflicting classifications of pathogenicity. Review status: criteria provided, conflicting classifications (1 of 4 stars). 2 submissions from 2 submitters: Uncertain significance (1); Likely benign (1). Last evaluated 2025-04-27.

Conditions:
Hereditary spherocytosis type 1. Also called: Spherocytosis type 1; ANK1-Related Spherocytosis. Identifiers: Orphanet 822, MedGen C2674218, MONDO:0008447, OMIM 182900.

gnomAD v4.1: 307 of 1,614,096 alleles (0.019%); highest among the groups gnomAD compares: Non-Finnish European, 0.026%; no homozygotes.

Submissions (2):

Labcorp Genetics (formerly Invitae), Labcorp
Classification: Uncertain significance. Last evaluated: 2025-04-27. Review status: criteria provided, single submitter. Criteria: Invitae Variant Classification Sherloc (09022015). Collection method: clinical testing. Allele origin: germline.
Comment: This sequence change falls in intron 32 of the ANK1 gene. It does not directly change the encoded amino acid sequence of the ANK1 protein. It affects a nucleotide within the consensus splice site. This variant is present in population databases (rs200402850, gnomAD 0.01%). This variant has not been reported in the literature in individuals affected with ANK1-related conditions. ClinVar contains an entry for this variant (Variation ID: 3646914). Variants that disrupt the consensus splice site are a relatively common cause of aberrant splicing (PMID: 17576681, 9536098). Algorithms developed to predict the effect of sequence changes on RNA splicing suggest that this variant is not likely to affect RNA splicing. In summary, the available evidence is currently insufficient to determine the role of this variant in disease. Therefore, it has been classified as a Variant of Uncertain Significance.

ARUP Laboratories, Molecular Genetics and Genomics, ARUP Laboratories
Classification: Likely benign for Hereditary spherocytosis type 1. Last evaluated: 2025-02-28. Review status: criteria provided, single submitter. Criteria: ARUP Molecular Germline Variant Investigation Process 2024. Collection method: clinical testing. Allele origin: germline.

Literature cited by the submitters: PubMed 17576681 (cited by Labcorp Genetics (formerly Invitae), Labcorp); PubMed 9536098 (cited by Labcorp Genetics (formerly Invitae), Labcorp).

NM_000037.4(ANK1):c.3984+6G>T

Gene: ANK1 (ankyrin 1; minus strand). Cytogenetic location: 8p11.21.
Variant type: single nucleotide variant.
Coding change: c.3984+6G>T on transcript NM_000037.4 (MANE Select); 6 bases into the intron after coding-DNA position 3984, G replaced by T.
Molecular consequence: intron variant.
Genome position (GRCh38, 1-based): chr8:41,690,468, C>A on the plus strand (G>T on the coding strand, the complement: ANK1 is on the minus strand). VCF-style: chr8-41690468-C-A. GRCh37 (hg19) VCF-style: chr8-41547986-C-A.
Other names: c.4107+6G>T (NM_001142446.2); c.3984+6G>T (NM_020477.3, NM_020475.3, NM_020476.3).
Identifiers: ClinVar variation 3646914 (VCV003646914.3).